The following is an entry in ClinVar:

ClinVar aggregate classification (germline): Uncertain significance (1 of 4 stars; one submission).

Allele frequency attached by ClinVar (database versions not stated): TOPMed 0.00002; ExAC 0.00015.
gnomAD v4.1: 15 of 1,586,640 alleles (0.00095%); highest among the groups gnomAD compares: Admixed American, 0.023%; no homozygotes.

Submission:

Labcorp Genetics (formerly Invitae), Labcorp
Classification: Uncertain significance. Last evaluated: 2022-07-29. Review status: criteria provided, single submitter. Criteria: Invitae Variant Classification Sherloc (09022015). Collection method: clinical testing. Allele origin: germline.
Comment: Algorithms developed to predict the effect of missense changes on protein structure and function (SIFT, PolyPhen-2, Align-GVGD) all suggest that this variant is likely to be tolerated. In summary, the available evidence is currently insufficient to determine the role of this variant in disease. Therefore, it has been classified as a Variant of Uncertain Significance. This sequence change replaces glutamic acid, which is acidic and polar, with lysine, which is basic and polar, at codon 105 of the LARP7 protein (p.Glu105Lys). This variant has not been reported in the literature in individuals affected with LARP7-related conditions. This variant is present in population databases (rs760828030, gnomAD 0.03%).

NM_016648.4(LARP7):c.313G>A (p.Glu105Lys)

Gene: LARP7 (La ribonucleoprotein 7, transcriptional regulator; plus strand). Cytogenetic location: 4q25.
Variant type: single nucleotide variant.
Coding change: c.313G>A on transcript NM_016648.4 (MANE Select); coding-DNA position 313, G replaced by A.
Protein change: p.Glu105Lys; replaces glutamic acid 105 with lysine.
Molecular consequence: missense variant.
Genome position (GRCh38, 1-based): chr4:112,646,597, G>A. VCF-style: chr4-112646597-G-A. GRCh37 (hg19) VCF-style: chr4-113567753-G-A.
Other names: c.313G>A, p.Glu105Lys (NM_001267039.4, NM_001370974.1, NM_001370975.1 and 6 more transcripts); c.76G>A, p.Glu26Lys (NM_001370981.1, NM_001370982.1); short protein forms E105K, E26K.
Identifiers: ClinVar variation 1991222 (VCV001991222.4), dbSNP rs760828030, ClinGen allele CA3049042.